The following is an entry in ClinVar:

ClinVar aggregate classification (germline): Likely benign (1 of 4 stars; one submission).

Conditions:
Qualitative or quantitative defects of delta-sarcoglycan. Identifiers: Orphanet 207070, MedGen C5680806, MONDO:0016144.

Allele frequency attached by ClinVar (database versions not stated): gnomAD 0.00023; TOPMed 0.00048; 1000 Genomes Project 30x 0.00156; 1000 Genomes Project 0.00180.
gnomAD v4.1: 502 of 355,636 alleles (0.14%); highest among the groups gnomAD compares: East Asian, 2%; 9 homozygotes.

Submission:

Illumina Laboratory Services, Illumina
Classification: Likely benign for Qualitative or quantitative defects of delta-sarcoglycan. Last evaluated: 2018-01-13. Review status: criteria provided, single submitter. Criteria: ICSL Variant Classification Criteria 13 December 2019. Collection method: clinical testing. Allele origin: germline.
Comment: This variant was observed in the ICSL laboratory as part of a predisposition screen in an ostensibly healthy population. It had not been previously curated by ICSL or reported in the Human Gene Mutation Database (HGMD: prior to June 1st, 2018), and was therefore a candidate for classification through an automated scoring system. Utilizing variant allele frequency, disease prevalence and penetrance estimates, and inheritance mode, an automated score was calculated to assess if this variant is too frequent to cause the disease. Based on the score and internal cut-off values, a variant classified as likely benign is not then subjected to further curation. The score for this variant resulted in a classification of likely benign for this disease.

NM_000337.6(SGCD):c.*150G>T

Gene: SGCD (sarcoglycan delta; plus strand). Cytogenetic location: 5q33.3.
Variant type: single nucleotide variant.
Coding change: c.*150G>T on transcript NM_000337.6 (MANE Select); 150 bases downstream of the stop codon, G replaced by T.
Molecular consequence: 3 prime UTR variant.
Genome position (GRCh38, 1-based): chr5:156,759,540, G>T. VCF-style: chr5-156759540-G-T. GRCh37 (hg19) VCF-style: chr5-156186551-G-T.
Other names: c.*150G>T (NM_001128209.2).
Identifiers: ClinVar variation 352338 (VCV000352338.6), dbSNP rs147791150, ClinGen allele CA10623842.